The following is an entry in ClinVar:

NM_004738.5(VAPB):c.*467G>A

Gene: VAPB (VAMP associated protein B and C; plus strand). Cytogenetic location: 20q13.32.
Variant type: single nucleotide variant.
Coding change: c.*467G>A on transcript NM_004738.5 (MANE Select); 467 bases downstream of the stop codon, G replaced by A.
Molecular consequence: 3 prime UTR variant. On other transcripts: non-coding transcript variant (1).
Genome position (GRCh38, 1-based): chr20:58,444,702, G>A. VCF-style: chr20-58444702-G-A. GRCh37 (hg19) VCF-style: chr20-57019758-G-A.
Other names: c.*537G>A (NM_001195677.2).
Identifiers: ClinVar variation 896300 (VCV000896300.5), dbSNP rs141496875, ClinGen allele CA9924391.

ClinVar aggregate classification (germline): Likely benign. Review status: criteria provided, single submitter (1 of 4 stars). 2 submissions from 1 submitter: Likely benign (2). Last evaluated 2018-01-12.

Conditions:
Adult-onset proximal spinal muscular atrophy, autosomal dominant. Also called: FINKEL LATE-ADULT TYPE SMA; Spinal muscular atrophy, late-onset, finkel type. Identifiers: Orphanet 209335, MedGen C1854058, MONDO:0008453, OMIM 182980.
Amyotrophic lateral sclerosis type 8 (ALS8). Identifiers: Orphanet 803, MedGen C1837728, MONDO:0012077, OMIM 608627.

Allele frequency attached by ClinVar (database versions not stated): ExAC 0.00028; gnomAD exomes 0.00038 and 0.00054; 1000 Genomes Project 30x 0.00250; 1000 Genomes Project 0.00280; gnomAD 0.00281 and 0.00301; TOPMed 0.00286.
gnomAD v4.1: 541 of 454,414 alleles (0.12%); highest among the groups gnomAD compares: African/African-American, 0.98%; 6 homozygotes.

Submissions (2):

Illumina Laboratory Services, Illumina
Classification: Likely benign for Adult-onset proximal spinal muscular atrophy, autosomal dominant. Last evaluated: 2018-01-12. Review status: criteria provided, single submitter. Criteria: ICSL Variant Classification Criteria 13 December 2019. Collection method: clinical testing. Allele origin: germline.
Comment: This variant was observed in the ICSL laboratory as part of a predisposition screen in an ostensibly healthy population. It had not been previously curated by ICSL or reported in the Human Gene Mutation Database (HGMD: prior to June 1st, 2018), and was therefore a candidate for classification through an automated scoring system. Utilizing variant allele frequency, disease prevalence and penetrance estimates, and inheritance mode, an automated score was calculated to assess if this variant is too frequent to cause the disease. Based on the score and internal cut-off values, a variant classified as likely benign is not then subjected to further curation. The score for this variant resulted in a classification of likely benign for this disease.

Illumina Laboratory Services, Illumina
Classification: Likely benign for Amyotrophic lateral sclerosis type 8. Last evaluated: 2018-01-12. Review status: criteria provided, single submitter. Criteria: ICSL Variant Classification Criteria 13 December 2019. Collection method: clinical testing. Allele origin: germline.
Comment: the same text as in the submission from Illumina Laboratory Services, Illumina above.